The following is an entry in ClinVar:

NM_198994.3(TGM6):c.622G>A (p.Val208Met)

Gene: TGM6 (transglutaminase 6; plus strand). Cytogenetic location: 20p13.
Variant type: single nucleotide variant.
Coding change: c.622G>A on transcript NM_198994.3 (MANE Select); coding-DNA position 622, G replaced by A.
Protein change: p.Val208Met; replaces valine 208 with methionine.
Molecular consequence: missense variant.
Genome position (GRCh38, 1-based): chr20:2,397,996, G>A. VCF-style: chr20-2397996-G-A. GRCh37 (hg19) VCF-style: chr20-2378642-G-A.
Other names: c.622G>A, p.Val208Met (NM_001254734.2); short protein forms V208M.
Identifiers: ClinVar variation 897213 (VCV000897213.7), dbSNP rs61743614, ClinGen allele CA9731739.
Genomic context (GRCh38, chr20:2,397,996, plus strand): 5'-AACATCTGCCTCTCCATCCTGGATCGAAGCCCCGGTCACCAAAACAACCCAGCCACCGAC[G>A]TGTCCTGCCGCCACAACCCCATCTACGTCACCAGGGTCATCAGTGCCATGGTGAGAAGCC-3'
Protein context (NP_945345.2, residues 198-218): PGHQNNPATD[Val208Met]SCRHNPIYVT

ClinVar aggregate classification (germline): Likely benign. Review status: criteria provided, multiple submitters, no conflicts (2 of 4 stars). 2 submissions from 2 submitters: Likely benign (2). Last evaluated 2023-09-05.

Conditions:
Spinocerebellar ataxia type 35. Identifiers: Orphanet 276193, MedGen C3888031, MONDO:0013485, OMIM 613908.

Allele frequency attached by ClinVar (database versions not stated): gnomAD exomes 0.00006 and 0.00009; ExAC 0.00012; 1000 Genomes Project 30x 0.00016; 1000 Genomes Project 0.00020; gnomAD 0.00034 and 0.00037; TOPMed 0.00039; ESP Exome Variant Server 0.00054.
gnomAD v4.1: 144 of 1,614,134 alleles (0.0089%); highest among the groups gnomAD compares: African/African-American, 0.13%; no homozygotes.

Submissions (2):

Labcorp Genetics (formerly Invitae), Labcorp
Classification: Likely benign. Last evaluated: 2023-09-05. Review status: criteria provided, single submitter. Criteria: Invitae Variant Classification Sherloc (09022015). Collection method: clinical testing. Allele origin: germline.

Illumina Laboratory Services, Illumina
Classification: Likely benign for Spinocerebellar ataxia type 35. Last evaluated: 2018-01-12. Review status: criteria provided, single submitter. Criteria: ICSL Variant Classification Criteria 13 December 2019. Collection method: clinical testing. Allele origin: germline.
Comment: This variant was observed in the ICSL laboratory as part of a predisposition screen in an ostensibly healthy population. It had not been previously curated by ICSL or reported in the Human Gene Mutation Database (HGMD: prior to June 1st, 2018), and was therefore a candidate for classification through an automated scoring system. Utilizing variant allele frequency, disease prevalence and penetrance estimates, and inheritance mode, an automated score was calculated to assess if this variant is too frequent to cause the disease. Based on the score and internal cut-off values, a variant classified as likely benign is not then subjected to further curation. The score for this variant resulted in a classification of likely benign for this disease.